The following is an entry in ClinVar:

NM_015338.6(ASXL1):c.352A>G (p.Thr118Ala)

Gene: ASXL1 (ASXL transcriptional regulator 1; plus strand). Cytogenetic location: 20q11.21.
Variant type: single nucleotide variant.
Coding change: c.352A>G on transcript NM_015338.6 (MANE Select); coding-DNA position 352, A replaced by G.
Protein change: p.Thr118Ala; replaces threonine 118 with alanine.
Molecular consequence: missense variant.
Genome position (GRCh38, 1-based): chr20:32,428,227, A>G. VCF-style: chr20-32428227-A-G. GRCh37 (hg19) VCF-style: chr20-31016030-A-G.
Other names: c.322A>G, p.Thr108Ala (NM_001363734.1); short protein forms T118A, T108A.
Identifiers: ClinVar variation 3955773 (VCV003955773.1).
Genomic context (GRCh38, chr20:32,428,227, plus strand): 5'-GAGGGAGAGGAGCCAGAGGACACGGCTGATGTGGAGAGCTGTGGGTCTAATGAAGCCAGC[A>G]CTGTGAGTGGTGAAAACGATGGTAAGGACCCTTTAATGGATGGGTGAGGGAGCCACAGCA-3'
Protein context (NP_056153.2, residues 108-128): VESCGSNEAS[Thr118Ala]VSGENDVSLD

ClinVar aggregate classification (germline): Uncertain significance (1 of 4 stars; one submission).

Conditions:
Inborn genetic diseases. Identifiers: MedGen C0950123, MeSH D030342.

gnomAD v4.1: 2 of 1,614,200 alleles (0.00012%); highest among the groups gnomAD compares: Non-Finnish European, 0.00017%; no homozygotes.

Submission:

Ambry Genetics
Classification: Uncertain significance for Inborn genetic diseases. Last evaluated: 2025-04-04. Review status: criteria provided, single submitter. Criteria: Ambry Variant Classification Scheme 2023. Collection method: clinical testing. Allele origin: germline.
Comment: The p.T118A variant (also known as c.352A>G), located in coding exon 5 of the ASXL1 gene, results from an A to G substitution at nucleotide position 352. The threonine at codon 118 is replaced by alanine, an amino acid with similar properties. This amino acid position is conserved. In addition, this alteration is predicted to be tolerated by in silico analysis. Based on the available evidence, the clinical significance of this variant remains unclear.